The following is an entry in ClinVar:

NM_001399.5(EDA):c.149C>G (p.Ser50Trp)

Gene: EDA (ectodysplasin A; plus strand). Cytogenetic location: Xq13.1.
Variant type: single nucleotide variant.
Coding change: c.149C>G on transcript NM_001399.5 (MANE Select); coding-DNA position 149, C replaced by G.
Protein change: p.Ser50Trp; replaces serine 50 with tryptophan.
Molecular consequence: missense variant.
Genome position (GRCh38, 1-based): chrX:69,616,457, C>G. VCF-style: chrX-69616457-C-G. GRCh37 (hg19) VCF-style: chrX-68836301-C-G.
Other names: c.149C>G, p.Ser50Trp (NM_001005609.2, NM_001005610.4, NM_001005612.3 and 2 more transcripts); short protein forms S50W.
Identifiers: ClinVar variation 2806159 (VCV002806159.3), dbSNP rs2519670289, ClinGen allele CA413447179.

ClinVar aggregate classification (germline): Uncertain significance (1 of 4 stars; one submission).

Conditions:
Hypohidrotic X-linked ectodermal dysplasia (XHED). Also called: ECTODERMAL DYSPLASIA 1, HYPOHIDROTIC, X-LINKED; ECTODERMAL DYSPLASIA 1, HYPOHIDROTIC/HAIR/TOOTH TYPE, X-LINKED; ECTODERMAL DYSPLASIA, HYPOHIDROTIC, 1; CST SYNDROME; ECTODERMAL DYSPLASIA 1; Ectodermal Dysplasia 1, Anhidrotic. Identifiers: Orphanet 181, Orphanet 238468, MedGen C0162359, MONDO:0010585, OMIM 305100.

Submission:

Labcorp Genetics (formerly Invitae), Labcorp
Classification: Uncertain significance for Hypohidrotic X-linked ectodermal dysplasia. Last evaluated: 2022-12-27. Review status: criteria provided, single submitter. Criteria: Invitae Variant Classification Sherloc (09022015). Collection method: clinical testing. Allele origin: germline.
Comment: This sequence change replaces serine, which is neutral and polar, with tryptophan, which is neutral and slightly polar, at codon 50 of the EDA protein (p.Ser50Trp). This variant is not present in population databases (gnomAD no frequency). This variant has not been reported in the literature in individuals affected with EDA-related conditions. Advanced modeling of protein sequence and biophysical properties (such as structural, functional, and spatial information, amino acid conservation, physicochemical variation, residue mobility, and thermodynamic stability) performed at Invitae indicates that this missense variant is expected to disrupt EDA protein function. In summary, the available evidence is currently insufficient to determine the role of this variant in disease. Therefore, it has been classified as a Variant of Uncertain Significance.